The following is an entry in ClinVar:

ClinVar aggregate classification (germline): Uncertain significance (1 of 4 stars; one submission).

Submission:

GeneDx
Classification: Uncertain significance. Last evaluated: 2024-12-10. Review status: criteria provided, single submitter. Criteria: GeneDx Variant Classification Process June 2021. Collection method: clinical testing. Allele origin: germline. Affected: yes.
Comment: Not observed at significant frequency in large population cohorts (gnomAD); In-frame deletion of 5 amino acid(s) in a non-repeat region; In silico analysis indicates that this variant does not alter protein structure/function; Has not been previously published as pathogenic or benign to our knowledge

NM_003403.5(YY1):c.575_589del (p.Ala192_Gly196del)

Gene: YY1 (YY1 transcription factor; plus strand). Cytogenetic location: 14q32.2.
Variant type: Deletion.
Coding change: c.575_589del on transcript NM_003403.5 (MANE Select); coding-DNA positions 575 to 589, 15 bases deleted (CGGCGGGCGGCGGCG).
Protein change: p.Ala192_Gly196del.
Molecular consequence: inframe deletion. On other transcripts: inframe indel (1).
Genome position (GRCh38, 1-based): chr14:100,239,819-100,239,833, CGGCGGGCGGCGGCG deleted; deleting any 15 consecutive bases within chr14:100,239,814-100,239,833 gives the same sequence; the c. name uses the placement nearest the transcript's 3' end. VCF-style (leftmost placement, unchanged base first): chr14-100239813-CCGGCGCGGCGGGCGG-C. GRCh37 (hg19) VCF-style: chr14-100706150-CCGGCGCGGCGGGCGG-C.
Other names: c.575_589delCGGCGGGCGGCGGCG, p.Ala192_Gly196del (NM_003403.4).
Identifiers: ClinVar variation 3903418 (VCV003903418.1).